The following is an entry in ClinVar:

NM_001352027.3(PHF21A):c.1889A>G (p.Asp630Gly)

Gene: PHF21A (PHD finger protein 21A; minus strand). Cytogenetic location: 11p11.2.
Variant type: single nucleotide variant.
Coding change: c.1889A>G on transcript NM_001352027.3 (MANE Select); coding-DNA position 1889, A replaced by G.
Protein change: p.Asp630Gly; replaces aspartic acid 630 with glycine.
Molecular consequence: missense variant. On other transcripts: non-coding transcript variant (2).
Genome position (GRCh38, 1-based): chr11:45,934,125, T>C on the plus strand (A>G on the coding strand, the complement: PHF21A is on the minus strand). VCF-style: chr11-45934125-T-C. GRCh37 (hg19) VCF-style: chr11-45955676-T-C.
Other names: c.1886A>G, p.Asp629Gly (NM_001101802.3); c.1889A>G, p.Asp630Gly (NM_001352025.3, NM_001352026.3); c.1748A>G, p.Asp583Gly (NM_001352028.1, NM_001352029.1, NM_016621.5); c.1745A>G, p.Asp582Gly (NM_001352030.3, NM_001352031.3, NM_001352032.3); short protein forms D582G, D583G, D629G, D630G.
Identifiers: ClinVar variation 1690911 (VCV001690911.7), dbSNP rs1590864380, ClinGen allele CA380253322.

ClinVar aggregate classification (germline): Conflicting classifications of pathogenicity. Review status: criteria provided, conflicting classifications (1 of 4 stars). 2 submissions from 2 submitters: Uncertain significance (1); Benign (1). Last evaluated 2025-10-01.

Submissions (2):

Labcorp Genetics (formerly Invitae), Labcorp
Classification: Benign. Last evaluated: 2025-10-01. Review status: criteria provided, single submitter. Criteria: Invitae Variant Classification Sherloc (09022015). Collection method: clinical testing. Allele origin: germline.

Laboratorio de Genetica e Diagnostico Molecular, Hospital Israelita Albert Einstein
Classification: Uncertain significance. Last evaluated: 2020-07-01. Review status: criteria provided, single submitter. Criteria: ACMG Guidelines, 2015. Collection method: clinical testing. Allele origin: germline. Affected: yes.
Comment: ACMG classification criteria: PM2